The following is an entry in ClinVar:

ClinVar aggregate classification (germline): Likely benign (1 of 4 stars; one submission).

gnomAD v4.1: 51 of 1,613,672 alleles (0.0032%); highest among the groups gnomAD compares: Admixed American, 0.083%; no homozygotes.

Submission:

CeGaT Center for Human Genetics Tuebingen
Classification: Likely benign. Last evaluated: 2026-03-01. Review status: criteria provided, single submitter. Criteria: CeGaT Center For Human Genetics Tuebingen Variant Classification Criteria Version 2. Collection method: clinical testing. Allele origin: germline. Affected: yes. Observed: 1 variant allele.
Comment: ADAM22: BP4, BP7

NM_001324418.2(ADAM22):c.528C>T (p.Asp176=)

Gene: ADAM22 (ADAM metallopeptidase domain 22; plus strand). Cytogenetic location: 7q21.12.
Variant type: single nucleotide variant.
Coding change: c.528C>T on transcript NM_001324418.2 (MANE Select); coding-DNA position 528, C replaced by T.
Protein change: p.Asp176=; no amino-acid change (aspartic acid 176 retained).
Molecular consequence: synonymous variant.
Genome position (GRCh38, 1-based): chr7:88,114,638, C>T. VCF-style: chr7-88114638-C-T. GRCh37 (hg19) VCF-style: chr7-87743953-C-T.
Other names: c.525C>T, p.Asp175= (NM_001324417.2, NM_001324419.2, NM_001391978.1 and 2 more transcripts); c.528C>T, p.Asp176= (NM_001324420.2, NM_001324421.2, NM_001391976.1 and 6 more transcripts); c.579C>T, p.Asp193= (NM_001391975.1, NM_001391980.1, NM_001391982.1).
Identifiers: ClinVar variation 4822917 (VCV004822917.4).
Genomic context (GRCh38, chr7:88,114,638, plus strand): 5'-TGGCAGTGGGATGTTCTATGACGGGAACCACACATATCTCATTGAGCCAGAAGAAAATGA[C>T]ACTACTCAAGTAAGTGCTCCTTCTGTTTGTTGTGGCAAATGGAAATGTTTATGCTGAGAG-3'
Protein context (NP_001311347.1, residues 166-186): HTYLIEPEEN[Asp176=]TTQEDFHFHS